The following is an entry in ClinVar:

ClinVar aggregate classification (germline): Uncertain significance (1 of 4 stars; one submission).

Conditions:
Inborn genetic diseases. Identifiers: MedGen C0950123, MeSH D030342.

Submission:

Ambry Genetics
Classification: Uncertain significance for Inborn genetic diseases. Last evaluated: 2021-11-11. Review status: criteria provided, single submitter. Criteria: Ambry Variant Classification Scheme 2023. Collection method: clinical testing. Allele origin: germline.
Comment: The p.H1009R variant (also known as c.3026A>G), located in coding exon 12 of the DYNC1H1 gene, results from an A to G substitution at nucleotide position 3026. The histidine at codon 1009 is replaced by arginine, an amino acid with highly similar properties. This amino acid position is conserved. In addition, the in silico prediction for this alteration is inconclusive. Since supporting evidence is limited at this time, the clinical significance of this alteration remains unclear.

NM_001376.5(DYNC1H1):c.3026A>G (p.His1009Arg)

Gene: DYNC1H1 (dynein cytoplasmic 1 heavy chain 1; plus strand). Cytogenetic location: 14q32.31.
Variant type: single nucleotide variant.
Coding change: c.3026A>G on transcript NM_001376.5 (MANE Select); coding-DNA position 3026, A replaced by G.
Protein change: p.His1009Arg; replaces histidine 1009 with arginine.
Molecular consequence: missense variant.
Genome position (GRCh38, 1-based): chr14:101,994,194, A>G. VCF-style: chr14-101994194-A-G. GRCh37 (hg19) VCF-style: chr14-102460531-A-G.
Other names: short protein forms H1009R.
Identifiers: ClinVar variation 1798962 (VCV001798962.2), dbSNP rs1240809477, ClinGen allele CA391031838.
Genomic context (GRCh38, chr14:101,994,194, plus strand): 5'-TACCATTTTCATATACACTGCTTGCATTCATTTCGGCTTTGGTTGGCTAGGTGGGTGTAC[A>G]TTACGAATTGACTGAGGAAGAGAAATTCTATCGGAATGCTTTAACACGGATGCCTGATGG-3'
Protein context (NP_001367.2, residues 999-1019): IQSQRYQVGV[His1009Arg]YELTEEEKFY